The following is an entry in ClinVar:

NM_000070.3(CAPN3):c.934A>G (p.Arg312Gly)

Gene: CAPN3 (calpain 3; plus strand). Cytogenetic location: 15q15.1.
Variant type: single nucleotide variant.
Coding change: c.934A>G on transcript NM_000070.3 (MANE Select); coding-DNA position 934, A replaced by G.
Protein change: p.Arg312Gly; replaces arginine 312 with glycine.
Molecular consequence: missense variant. On other transcripts: intron variant (1).
Genome position (GRCh38, 1-based): chr15:42,390,085, A>G. VCF-style: chr15-42390085-A-G. GRCh37 (hg19) VCF-style: chr15-42682283-A-G.
Other names: c.934A>G, p.Arg312Gly (NM_024344.2); c.673A>G, p.Arg225Gly (NM_212464.2); c.*627A>G (NM_212467.2); c.801+989A>G (NM_173087.2); short protein forms R225G, R312G.
Identifiers: ClinVar variation 2873005 (VCV002873005.3), dbSNP rs2548262323, ClinGen allele CA391998707.

ClinVar aggregate classification (germline): Uncertain significance (1 of 4 stars; one submission).

Conditions:
Autosomal recessive limb-girdle muscular dystrophy type 2A (LGMDR1). Also called: LEYDEN-MOEBIUS MUSCULAR DYSTROPHY; MUSCULAR DYSTROPHY, PELVOFEMORAL; Limb-girdle muscular dystrophy, type 2A; Calpainopathy; Muscular dystrophy, limb-girdle, type 2A, Amish. Identifiers: Orphanet 267, MedGen C1869123, MONDO:0009675, OMIM 253600. Disease mechanism: loss of function.

Submission:

Labcorp Genetics (formerly Invitae), Labcorp
Classification: Uncertain significance for Autosomal recessive limb-girdle muscular dystrophy type 2A. Last evaluated: 2023-03-01. Review status: criteria provided, single submitter. Criteria: Invitae Variant Classification Sherloc (09022015). Collection method: clinical testing. Allele origin: germline.
Comment: Advanced modeling of protein sequence and biophysical properties (such as structural, functional, and spatial information, amino acid conservation, physicochemical variation, residue mobility, and thermodynamic stability) has been performed at Invitae for this missense variant, however the output from this modeling did not meet the statistical confidence thresholds required to predict the impact of this variant on CAPN3 protein function. In summary, the available evidence is currently insufficient to determine the role of this variant in disease. Therefore, it has been classified as a Variant of Uncertain Significance. This variant has not been reported in the literature in individuals affected with CAPN3-related conditions. This variant is not present in population databases (gnomAD no frequency). This sequence change replaces arginine, which is basic and polar, with glycine, which is neutral and non-polar, at codon 312 of the CAPN3 protein (p.Arg312Gly).